The following is an entry in ClinVar:

ClinVar aggregate classification (germline): Pathogenic/Likely pathogenic. Review status: criteria provided, multiple submitters, no conflicts (2 of 4 stars). 2 submissions from 2 submitters: Pathogenic (1); Likely pathogenic (1). Last evaluated 2023-06-01.

Submissions (2):

CeGaT Center for Human Genetics Tuebingen
Classification: Likely pathogenic. Last evaluated: 2023-06-01. Review status: criteria provided, single submitter. Criteria: CeGaT Center For Human Genetics Tuebingen Variant Classification Criteria Version 2. Collection method: clinical testing. Allele origin: germline. Affected: yes. Observed: 2 variant alleles.
Comment: EBP: PM2, PM5, PM6, PP4

Labcorp Genetics (formerly Invitae), Labcorp
Classification: Pathogenic. Last evaluated: 2021-10-20. Review status: criteria provided, single submitter. Criteria: Invitae Variant Classification Sherloc (09022015). Collection method: clinical testing. Allele origin: germline.
Comment: Advanced modeling of protein sequence and biophysical properties (such as structural, functional, and spatial information, amino acid conservation, physicochemical variation, residue mobility, and thermodynamic stability) performed at Invitae indicates that this missense variant is expected to disrupt EBP protein function. For these reasons, this variant has been classified as Pathogenic. This missense change has been observed in individual(s) with X-linked dominant chondrodysplasia punctata (PMID: 18395876). In at least one individual the variant was observed to be de novo. It has also been observed to segregate with disease in related individuals. This variant is not present in population databases (ExAC no frequency). This sequence change replaces serine with phenylalanine at codon 98 of the EBP protein (p.Ser98Phe). The serine residue is highly conserved and there is a large physicochemical difference between serine and phenylalanine.

Literature cited by the submitters: PubMed 18395876 (cited by Labcorp Genetics (formerly Invitae), Labcorp).

NM_006579.3(EBP):c.293C>T (p.Ser98Phe)

Gene: EBP (EBP cholestenol delta-isomerase; plus strand). Cytogenetic location: Xp11.23.
Variant type: single nucleotide variant.
Coding change: c.293C>T on transcript NM_006579.3 (MANE Select); coding-DNA position 293, C replaced by T.
Protein change: p.Ser98Phe; replaces serine 98 with phenylalanine.
Molecular consequence: missense variant.
Genome position (GRCh38, 1-based): chrX:48,524,064, C>T. VCF-style: chrX-48524064-C-T. GRCh37 (hg19) VCF-style: chrX-48382452-C-T.
Other names: short protein forms S98F.
Identifiers: ClinVar variation 1354233 (VCV001354233.32), dbSNP rs2147154765, ClinGen allele CA412851939.